The following is an entry in ClinVar:

NM_153240.5(NPHP3):c.3083G>A (p.Arg1028His)

Genes: NPHP3 (nephrocystin 3; minus strand), NPHP3-ACAD11 (NPHP3-ACAD11 readthrough (NMD candidate); minus strand). Cytogenetic location: 3q22.1.
Variant type: single nucleotide variant.
Coding change: c.3083G>A on transcript NM_153240.5 (MANE Select); coding-DNA position 3083, G replaced by A.
Protein change: p.Arg1028His; replaces arginine 1028 with histidine.
Molecular consequence: missense variant. On other transcripts: non-coding transcript variant (1).
Genome position (GRCh38, 1-based): chr3:132,688,692, C>T on the plus strand (G>A on the coding strand, the complement: NPHP3 is on the minus strand). VCF-style: chr3-132688692-C-T. GRCh37 (hg19) VCF-style: chr3-132407536-C-T.
Other names: short protein forms R1028H.
Identifiers: ClinVar variation 1345060 (VCV001345060.5), dbSNP rs200722938, ClinGen allele CA2621849.

ClinVar aggregate classification (germline): Uncertain significance (1 of 4 stars; one submission).

Conditions:
Nephronophthisis. Also called: Juvenile Nephronophthisis. Identifiers: Orphanet 655, MedGen C0687120, MONDO:0019005, HP:0000090.

Allele frequency attached by ClinVar (database versions not stated): TOPMed 0.00001.
gnomAD v4.1: 7 of 1,614,054 alleles (0.00043%); highest among the groups gnomAD compares: African/African-American, 0.0013%; no homozygotes.

Submission:

Labcorp Genetics (formerly Invitae), Labcorp
Classification: Uncertain significance for Nephronophthisis. Last evaluated: 2022-03-02. Review status: criteria provided, single submitter. Criteria: Invitae Variant Classification Sherloc (09022015). Collection method: clinical testing. Allele origin: germline.
Comment: This sequence change replaces arginine, which is basic and polar, with histidine, which is basic and polar, at codon 1028 of the NPHP3 protein (p.Arg1028His). This variant is present in population databases (rs200722938, gnomAD 0.006%). This variant has not been reported in the literature in individuals affected with NPHP3-related conditions. Algorithms developed to predict the effect of missense changes on protein structure and function are either unavailable or do not agree on the potential impact of this missense change (SIFT: "Deleterious"; PolyPhen-2: "Probably Damaging"; Align-GVGD: "Class C0"). In summary, the available evidence is currently insufficient to determine the role of this variant in disease. Therefore, it has been classified as a Variant of Uncertain Significance.